The following is an entry in ClinVar:

ClinVar aggregate classification (germline): Likely benign (1 of 4 stars; one submission).

Submission:

GeneDx
Classification: Likely benign. Last evaluated: 2017-07-18. Review status: criteria provided, single submitter. Criteria: GeneDx Variant Classification (06012015). Collection method: clinical testing. Allele origin: germline. Affected: yes.
Comment: This variant is considered likely benign or benign based on one or more of the following criteria: it is a conservative change, it occurs at a poorly conserved position in the protein, it is predicted to be benign by multiple in silico algorithms, and/or has population frequency not consistent with disease.

NM_002693.3(POLG):c.3333C>T (p.Leu1111=)

Genes: POLG (DNA polymerase gamma, catalytic subunit; minus strand), POLGARF (POLG alternative reading frame; minus strand). Cytogenetic location: 15q26.1.
Variant type: single nucleotide variant.
Coding change: c.3333C>T on transcript NM_002693.3 (MANE Select); coding-DNA position 3333, C replaced by T.
Protein change: p.Leu1111=; no amino-acid change (leucine 1111 retained).
Molecular consequence: synonymous variant.
Genome position (GRCh38, 1-based): chr15:89,318,690, G>A on the plus strand (C>T on the coding strand, the complement: POLG is on the minus strand). VCF-style: chr15-89318690-G-A. GRCh37 (hg19) VCF-style: chr15-89861921-G-A.
Other names: c.3333C>T, p.Leu1111= (NM_001126131.2).
Identifiers: ClinVar variation 510802 (VCV000510802.1), dbSNP rs755854894, ClinGen allele CA274541099.